The following is an entry in ClinVar:

NM_017636.4(TRPM4):c.107dup (p.Cys37fs)

Gene: TRPM4 (transient receptor potential cation channel subfamily M member 4; plus strand). Cytogenetic location: 19q13.33.
Variant type: Duplication.
Coding change: c.107dup on transcript NM_017636.4 (MANE Select); coding-DNA position 107, one base duplicated (A; older notation c.107dupA).
Protein change: p.Cys37fs; shifts the reading frame from cysteine 37.
Molecular consequence: frameshift variant. On other transcripts: 5 prime UTR variant (1), intron variant (2).
Genome position (GRCh38, 1-based): chr19:49,166,055, A duplicated. VCF-style (leftmost placement, unchanged base first): chr19-49166054-C-CA. GRCh37 (hg19) VCF-style: chr19-49669311-C-CA.
Other names: c.107dup, p.Cys37fs (NM_001195227.2, NM_001321281.2); c.-1266dup (NM_001321282.2); c.-74-2205dup (NM_001321283.2); c.-237-2498dup (NM_001321285.2); short protein forms C37fs.
Identifiers: ClinVar variation 1907207 (VCV001907207.5), dbSNP rs2514046334, ClinGen allele CA2580097523.

ClinVar aggregate classification (germline): Uncertain significance (1 of 4 stars; one submission).

Conditions:
Progressive familial heart block type IB (PFHB1B). Identifiers: Orphanet 871, MedGen C1970298, MONDO:0011474, OMIM 604559.

Allele frequency attached by ClinVar (database versions not stated): gnomAD exomes below 0.00001.

Submission:

Labcorp Genetics (formerly Invitae), Labcorp
Classification: Uncertain significance for Progressive familial heart block type IB. Last evaluated: 2024-01-31. Review status: criteria provided, single submitter. Criteria: Invitae Variant Classification Sherloc (09022015). Collection method: clinical testing. Allele origin: germline.
Comment: This sequence change creates a premature translational stop signal (p.Cys37Valfs*59) in the TRPM4 gene. It is expected to result in an absent or disrupted protein product. However, the current clinical and genetic evidence is not sufficient to establish whether loss-of-function variants in TRPM4 cause disease. This variant is not present in population databases (gnomAD no frequency). This variant has not been reported in the literature in individuals affected with TRPM4-related conditions. ClinVar contains an entry for this variant (Variation ID: 1907207). In summary, the available evidence is currently insufficient to determine the role of this variant in disease. Therefore, it has been classified as a Variant of Uncertain Significance.